The following is an entry in ClinVar:

ClinVar aggregate classification (germline): Uncertain significance (1 of 4 stars; one submission).

Conditions:
Multiple congenital anomalies-hypotonia-seizures syndrome 1 (MCAHS1). Also called: PIGN-CDG; Congenital disorder of glycosylation due to PIGN deficiency; GLYCOSYLPHOSPHATIDYLINOSITOL BIOSYNTHESIS DEFECT 3. Identifiers: Orphanet 280633, MedGen C3279775, MONDO:0013563, OMIM 614080.

Allele frequency attached by ClinVar (database versions not stated): TOPMed 0.00002.
gnomAD v4.1: 9 of 1,542,644 alleles (0.00058%); highest among the groups gnomAD compares: South Asian, 0.0049%; no homozygotes.

Submission:

Labcorp Genetics (formerly Invitae), Labcorp
Classification: Uncertain significance for Multiple congenital anomalies-hypotonia-seizures syndrome 1. Last evaluated: 2022-02-04. Review status: criteria provided, single submitter. Criteria: Invitae Variant Classification Sherloc (09022015). Collection method: clinical testing. Allele origin: germline.
Comment: This sequence change replaces arginine, which is basic and polar, with glutamine, which is neutral and polar, at codon 221 of the PIGN protein (p.Arg221Gln). The frequency data for this variant in the population databases is considered unreliable, as metrics indicate poor data quality at this position in the gnomAD database. This variant has not been reported in the literature in individuals affected with PIGN-related conditions. ClinVar contains an entry for this variant (Variation ID: 956208). Algorithms developed to predict the effect of missense changes on protein structure and function are either unavailable or do not agree on the potential impact of this missense change (SIFT: "Deleterious"; PolyPhen-2: "Possibly Damaging"; Align-GVGD: "Class C0"). In summary, the available evidence is currently insufficient to determine the role of this variant in disease. Therefore, it has been classified as a Variant of Uncertain Significance.

NM_176787.5(PIGN):c.662G>A (p.Arg221Gln)

Gene: PIGN (phosphatidylinositol glycan anchor biosynthesis class N; minus strand). Cytogenetic location: 18q21.33.
Variant type: single nucleotide variant.
Coding change: c.662G>A on transcript NM_176787.5 (MANE Select); coding-DNA position 662, G replaced by A.
Protein change: p.Arg221Gln; replaces arginine 221 with glutamine.
Molecular consequence: missense variant.
Genome position (GRCh38, 1-based): chr18:62,148,226, C>T on the plus strand (G>A on the coding strand, the complement: PIGN is on the minus strand). VCF-style: chr18-62148226-C-T. GRCh37 (hg19) VCF-style: chr18-59815459-C-T.
Other names: c.662G>A, p.Arg221Gln (NM_012327.6); short protein forms R221Q.
Identifiers: ClinVar variation 956208 (VCV000956208.7), dbSNP rs375338906, ClinGen allele CA301685979.